The following is an entry in ClinVar:

ClinVar aggregate classification (germline): Pathogenic. Review status: criteria provided, multiple submitters, no conflicts (2 of 4 stars). 3 submissions from 3 submitters: Pathogenic (2). 1 of the submissions does not count toward it. Last evaluated 2021-10-26.

Conditions:
Inborn genetic diseases. Identifiers: MedGen C0950123, MeSH D030342.
Radio-Tartaglia syndrome. Identifiers: Orphanet 662234, MedGen C5543339, MONDO:0859143, OMIM 619312.

Submissions (3):

Ambry Genetics
Classification: Pathogenic for Inborn genetic diseases. Last evaluated: 2021-10-26. Review status: criteria provided, single submitter. Criteria: Ambry Variant Classification Scheme 2023. Collection method: clinical testing. Allele origin: germline.
Comment: The c.6974_6975delTT (p.L2325Rfs*33) alteration, located in coding exon 11 of the SPEN gene, consists of a deletion of 2 nucleotides from position 6974 to 6975, causing a translational frameshift with a predicted alternate stop codon after 33 amino acids. This alteration is expected to result in loss of function by premature protein truncation or nonsense-mediated mRNA decay. This variant was not reported in population-based cohorts in the Genome Aggregation Database (gnomAD). This alteration was reported de novo in a patient with global developmental delay, moderate intellectual disability, behavioral issues, hypotonia, dysmorphic features, gastrointestinal features, feeding/swallowing problems, and hearing loss (Radio, 2021). Based on the available evidence, this alteration is classified as pathogenic.

Tartaglia Lab, Genetics and Rare Diseases Research Division, Bambino Gesu' Children's Hospital
Classification: Pathogenic. Last evaluated: 2020-12-03. Review status: criteria provided, single submitter. Criteria: ACMG Guidelines, 2015. Collection method: research. Allele origin: de novo. Affected: yes. Observed: 1 variant allele.

OMIM
Classification: Pathogenic for RADIO-TARTAGLIA SYNDROME. Last evaluated: 2021-05-10. Review status: no assertion criteria provided. Collection method: literature only. Allele origin: germline. Not counted in ClinVar's aggregate classification.

Literature cited by the submitters: PubMed 33596411 (cited by Ambry Genetics and OMIM).

NM_015001.3(SPEN):c.6974_6975del (p.Leu2325fs)

Gene: SPEN (spen family transcriptional repressor; plus strand). Cytogenetic location: 1p36.13.
Variant type: Deletion.
Coding change: c.6974_6975del on transcript NM_015001.3 (MANE Select); coding-DNA positions 6974 to 6975, 2 bases deleted (TT; older notation c.6974_6975delTT).
Protein change: p.Leu2325fs; shifts the reading frame from leucine 2325.
Molecular consequence: frameshift variant.
Genome position (GRCh38, 1-based): chr1:15,933,214-15,933,215, TT deleted. VCF-style (leftmost placement, unchanged base first): chr1-15933213-CTT-C. GRCh37 (hg19) VCF-style: chr1-16259708-CTT-C.
Other names: c.6974_6975delTT (NM_015001.3); short protein forms L2325fs.
Identifiers: ClinVar variation 986085 (VCV000986085.9), dbSNP rs2071239657, ClinGen allele CA1139655988.